The following is an entry in ClinVar:

ClinVar aggregate classification (germline): Pathogenic (1 of 4 stars; one submission).

Conditions:
Autosomal dominant hypocalcemia 1 (HYPOC1). Also called: HYPOCALCEMIA, FAMILIAL. Identifiers: MedGen C3715128, MONDO:0011013, OMIM 601198.
Familial hypocalciuric hypercalcemia (FHH). Also called: Familial benign hypercalcemia. Identifiers: Orphanet 405, MedGen C1809471, MONDO:0018458.

Submission:

Labcorp Genetics (formerly Invitae), Labcorp
Classification: Pathogenic for Familial hypocalciuric hypercalcemia; Autosomal dominant hypocalcemia 1. Last evaluated: 2024-03-06. Review status: criteria provided, single submitter. Criteria: Invitae Variant Classification Sherloc (09022015). Collection method: clinical testing. Allele origin: germline.
Comment: This sequence change creates a premature translational stop signal (p.Cys7Leufs*41) in the CASR gene. It is expected to result in an absent or disrupted protein product. Loss-of-function variants in CASR are known to be pathogenic (PMID: 11807402, 14985373, 22422767). This variant is not present in population databases (gnomAD no frequency). This premature translational stop signal has been observed in individual(s) with familial hypocalciuric hypercalcemia (PMID: 11889203). This variant is also known as c.19ˆ20.insT or C7fs-2X47. For these reasons, this variant has been classified as Pathogenic.

Literature cited by the submitters: PubMed 11807402; PubMed 14985373; PubMed 22422767; PubMed 11889203.

NM_000388.4(CASR):c.19dup (p.Cys7fs)

Gene: CASR (calcium sensing receptor; plus strand). Cytogenetic location: 3q21.1.
Variant type: Duplication.
Coding change: c.19dup on transcript NM_000388.4 (MANE Select); coding-DNA position 19, one base duplicated (T; older notation c.19dupT).
Protein change: p.Cys7fs; shifts the reading frame from cysteine 7.
Molecular consequence: frameshift variant.
Genome position (GRCh38, 1-based): chr3:122,254,208, T duplicated. VCF-style (leftmost placement, unchanged base first): chr3-122254207-C-CT. GRCh37 (hg19) VCF-style: chr3-121973054-C-CT.
Other names: c.19dup, p.Cys7fs (NM_001178065.2); short protein forms C7fs.
Identifiers: ClinVar variation 3759088 (VCV003759088.2).